The following is an entry in ClinVar:

NM_178857.6(RP1L1):c.477C>G (p.Asn159Lys)

Gene: RP1L1 (RP1 like 1). Cytogenetic location: 8p23.1.
Variant type: single nucleotide variant.
Coding change: c.477C>G on transcript NM_178857.6 (MANE Select); coding-DNA position 477, C replaced by G.
Protein change: p.Asn159Lys; replaces asparagine 159 with lysine.
Molecular consequence: missense variant.
Genome position (GRCh38, 1-based): chr8:10,622,725, G>C on the plus strand (C>G on the coding strand, the complement: RP1L1 is on the minus strand). VCF-style: chr8-10622725-G-C. GRCh37 (hg19) VCF-style: chr8-10480235-G-C.
Other names: short protein forms N159K.
Identifiers: ClinVar variation 1476933 (VCV001476933.6), dbSNP rs769690517, ClinGen allele CA4625683.

ClinVar aggregate classification (germline): Uncertain significance (1 of 4 stars; one submission).

gnomAD v4.1: 6 of 1,614,182 alleles (0.00037%); highest among the groups gnomAD compares: South Asian, 0.0066%; no homozygotes.

Submission:

Labcorp Genetics (formerly Invitae), Labcorp
Classification: Uncertain significance. Last evaluated: 2022-08-21. Review status: criteria provided, single submitter. Criteria: Invitae Variant Classification Sherloc (09022015). Collection method: clinical testing. Allele origin: germline.
Comment: This sequence change replaces asparagine, which is neutral and polar, with lysine, which is basic and polar, at codon 159 of the RP1L1 protein (p.Asn159Lys). This variant is present in population databases (rs769690517, gnomAD 0.003%). This variant has not been reported in the literature in individuals affected with RP1L1-related conditions. ClinVar contains an entry for this variant (Variation ID: 1476933). Algorithms developed to predict the effect of missense changes on protein structure and function are either unavailable or do not agree on the potential impact of this missense change (SIFT: "Deleterious"; PolyPhen-2: "Probably Damaging"; Align-GVGD: "Class C0"). In summary, the available evidence is currently insufficient to determine the role of this variant in disease. Therefore, it has been classified as a Variant of Uncertain Significance.